The following is an entry in ClinVar:

ClinVar aggregate classification (germline): Uncertain significance (1 of 4 stars; one submission).

Submission:

Labcorp Genetics (formerly Invitae), Labcorp
Classification: Uncertain significance. Last evaluated: 2022-12-26. Review status: criteria provided, single submitter. Criteria: Invitae Variant Classification Sherloc (09022015). Collection method: clinical testing. Allele origin: germline.
Comment: In summary, the available evidence is currently insufficient to determine the role of this variant in disease. Therefore, it has been classified as a Variant of Uncertain Significance. Advanced modeling of protein sequence and biophysical properties (such as structural, functional, and spatial information, amino acid conservation, physicochemical variation, residue mobility, and thermodynamic stability) performed at Invitae indicates that this missense variant is not expected to disrupt GNB1 protein function. This variant has not been reported in the literature in individuals affected with GNB1-related conditions. This variant is not present in population databases (gnomAD no frequency). This sequence change replaces methionine, which is neutral and non-polar, with valine, which is neutral and non-polar, at codon 217 of the GNB1 protein (p.Met217Val).

NM_002074.5(GNB1):c.649A>G (p.Met217Val)

Gene: GNB1 (G protein subunit beta 1; minus strand). Cytogenetic location: 1p36.33.
Variant type: single nucleotide variant.
Coding change: c.649A>G on transcript NM_002074.5 (MANE Select); coding-DNA position 649, A replaced by G.
Protein change: p.Met217Val; replaces methionine 217 with valine.
Molecular consequence: missense variant.
Genome position (GRCh38, 1-based): chr1:1,790,445, T>C on the plus strand (A>G on the coding strand, the complement: GNB1 is on the minus strand). VCF-style: chr1-1790445-T-C. GRCh37 (hg19) VCF-style: chr1-1721884-T-C.
Other names: c.349A>G, p.Met117Val (NM_001282538.2); c.649A>G, p.Met217Val (NM_001282539.2); short protein forms M117V, M217V.
Identifiers: ClinVar variation 2824337 (VCV002824337.3), dbSNP rs2522260765, ClinGen allele CA337906594.
Genomic context (GRCh38, chr1:1,790,445, plus strand): 5'-CCAGACTCACGCAAATGGCATTGATGTCAGACTCGTGGCCAGTGAAGGTCTGCCGGCACA[T>C]GCCTTCTCGCACATCCCAGAGTTTGGCTGAAGCATCACAAGCACCAGAGACGAACAGTCT-3'
Protein context (NP_002065.1, residues 207-227): SAKLWDVREG[Met217Val]CRQTFTGHES